The following is an entry in ClinVar:

NM_003470.3(USP7):c.3220C>G (p.Arg1074Gly)

Gene: USP7 (ubiquitin specific peptidase 7; minus strand). Cytogenetic location: 16p13.2.
Variant type: single nucleotide variant.
Coding change: c.3220C>G on transcript NM_003470.3 (MANE Select); coding-DNA position 3220, C replaced by G.
Protein change: p.Arg1074Gly; replaces arginine 1074 with glycine.
Molecular consequence: missense variant. On other transcripts: non-coding transcript variant (1).
Genome position (GRCh38, 1-based): chr16:8,894,087, G>C on the plus strand (C>G on the coding strand, the complement: USP7 is on the minus strand). VCF-style: chr16-8894087-G-C. GRCh37 (hg19) VCF-style: chr16-8987944-G-C.
Other names: c.3172C>G, p.Arg1058Gly (NM_001286457.2); c.2923C>G, p.Arg975Gly (NM_001286458.2); c.3046C>G, p.Arg1016Gly (NM_001321858.2); short protein forms R1016G, R1058G, R1074G, R975G.
Identifiers: ClinVar variation 3253552 (VCV003253552.2), dbSNP rs762752076.

ClinVar aggregate classification (germline): Uncertain significance (1 of 4 stars; one submission).

Submission:

GeneDx
Classification: Uncertain significance. Last evaluated: 2026-07-17. Review status: criteria provided, single submitter. Criteria: GeneDx Variant Classification Process June 2021. Collection method: clinical testing. Allele origin: germline.
Comment: Not observed at significant frequency in large population cohorts (gnomAD); In silico analysis supports that this missense variant has a deleterious effect on protein structure/function; Has not been previously published as pathogenic or benign to our knowledge